The following is an entry in ClinVar:

NM_000038.6(APC):c.2534G>T (p.Arg845Leu)

Gene: APC (APC regulator of Wnt signaling pathway; plus strand). Cytogenetic location: 5q22.2.
Variant type: single nucleotide variant.
Coding change: c.2534G>T on transcript NM_000038.6 (MANE Select); coding-DNA position 2534, G replaced by T.
Protein change: p.Arg845Leu; replaces arginine 845 with leucine.
Molecular consequence: missense variant.
Genome position (GRCh38, 1-based): chr5:112,838,128, G>T. VCF-style: chr5-112838128-G-T. GRCh37 (hg19) VCF-style: chr5-112173825-G-T.
Other names: c.2534G>T (NM_000038.5); c.2534G>T, p.Arg845Leu (NM_001127510.3, NM_001354895.2); c.2480G>T, p.Arg827Leu (NM_001127511.3); c.2588G>T, p.Arg863Leu (NM_001354896.2); c.2564G>T, p.Arg855Leu (NM_001354897.2); c.2459G>T, p.Arg820Leu (NM_001354898.2); c.2450G>T, p.Arg817Leu (NM_001354899.2); c.2411G>T, p.Arg804Leu (NM_001354900.2); and 6 more; short protein forms R827L, R855L, R719L, R754L, R804L, R817L, R562L, R786L.
Identifiers: ClinVar variation 1470414 (VCV001470414.7), dbSNP rs776878597, ClinGen allele CA16026885.
Genomic context (GRCh38, chr5:112,838,128, plus strand): 5'-ATTTGAATACTACAGTGTTACCCAGCTCCTCTTCATCAAGAGGAAGCTTAGATAGTTCTC[G>T]TTCTGAAAAAGATAGAAGTTTGGAGAGAGAACGCGGAATTGGTCTAGGCAACTACCATCC-3'
Protein context (NP_000029.2, residues 835-855): SSSRGSLDSS[Arg845Leu]SEKDRSLERE

ClinVar aggregate classification (germline): Uncertain significance. Review status: criteria provided, multiple submitters, no conflicts (2 of 4 stars). 2 submissions from 2 submitters: Uncertain significance (2). Last evaluated 2025-02-25.

Conditions:
Hereditary cancer-predisposing syndrome. Also called: Tumor predisposition; Hereditary Cancer Syndrome; Hereditary neoplastic syndrome; Neoplastic Syndromes, Hereditary. Identifiers: Orphanet 140162, MedGen C0027672, MeSH D009386, MONDO:0015356.
Familial adenomatous polyposis 1 (FAP1). Also called: FAMILIAL ADENOMATOUS POLYPOSIS 1, ATTENUATED; POLYPOSIS, ADENOMATOUS INTESTINAL. Identifiers: MedGen C2713442, MONDO:0021056, OMIM 175100. Disease mechanism: loss of function.

gnomAD v4.1: 6 of 1,614,108 alleles (0.00037%); highest among the groups gnomAD compares: Non-Finnish European, 0.00042%; no homozygotes.

Submissions (2):

Labcorp Genetics (formerly Invitae), Labcorp
Classification: Uncertain significance for Familial adenomatous polyposis 1. Last evaluated: 2025-02-25. Review status: criteria provided, single submitter. Criteria: Invitae Variant Classification Sherloc (09022015). Collection method: clinical testing. Allele origin: germline.
Comment: This sequence change replaces arginine, which is basic and polar, with leucine, which is neutral and non-polar, at codon 845 of the APC protein (p.Arg845Leu). This variant is not present in population databases (gnomAD no frequency). This variant has not been reported in the literature in individuals affected with APC-related conditions. ClinVar contains an entry for this variant (Variation ID: 1470414). Invitae Evidence Modeling of protein sequence and biophysical properties (such as structural, functional, and spatial information, amino acid conservation, physicochemical variation, residue mobility, and thermodynamic stability) indicates that this missense variant is not expected to disrupt APC protein function with a negative predictive value of 95%. In summary, the available evidence is currently insufficient to determine the role of this variant in disease. Therefore, it has been classified as a Variant of Uncertain Significance.

Ambry Genetics
Classification: Uncertain significance for Hereditary cancer-predisposing syndrome. Last evaluated: 2024-08-21. Review status: criteria provided, single submitter. Criteria: Ambry Variant Classification Scheme 2023. Collection method: clinical testing. Allele origin: germline.
Comment: The p.R845L variant (also known as c.2534G>T), located in coding exon 15 of the APC gene, results from a G to T substitution at nucleotide position 2534. The arginine at codon 845 is replaced by leucine, an amino acid with dissimilar properties. This amino acid position is conserved. In addition, in silico predictors for this gene do not accurately predict pathogenicity. Based on the available evidence, the clinical significance of this variant remains unclear.